The following is an entry in ClinVar:

ClinVar aggregate classification (germline): Likely benign. Review status: criteria provided, multiple submitters, no conflicts (2 of 4 stars). 4 submissions from 4 submitters: Likely benign (4). Last evaluated 2026-05-01.

Conditions:
Developmental and epileptic encephalopathy, 30 (DEE30). Also called: Epileptic encephalopathy, early infantile, 30. Identifiers: MedGen C4225360, MONDO:0014595, OMIM 616341.

Allele frequency attached by ClinVar (database versions not stated): ExAC 0.00006; 1000 Genomes Project 0.00020; gnomAD exomes 0.00032.

Submissions (4):

CeGaT Center for Human Genetics Tuebingen
Classification: Likely benign. Last evaluated: 2026-05-01. Review status: criteria provided, single submitter. Criteria: CeGaT Center For Human Genetics Tuebingen Variant Classification Criteria Version 2. Collection method: clinical testing. Allele origin: germline. Affected: yes. Observed: 2 variant alleles.
Comment: SIK1: PM2:Supporting, BP4, BP7

Labcorp Genetics (formerly Invitae), Labcorp
Classification: Likely benign for Developmental and epileptic encephalopathy, 30. Last evaluated: 2025-11-24. Review status: criteria provided, single submitter. Criteria: Invitae Variant Classification Sherloc (09022015). Collection method: clinical testing. Allele origin: germline.

Blueprint Genetics
Classification: Likely benign. Last evaluated: 2024-11-25. Review status: criteria provided, single submitter. Criteria: ACMG Guidelines, 2015. Collection method: clinical testing. Allele origin: germline.

Breakthrough Genomics
Classification: Likely benign. Review status: criteria provided, single submitter. Criteria: ACMG Guidelines, 2015. Collection method: not provided. Allele origin: germline. Inheritance: Autosomal dominant inheritance. Affected: yes.

NM_173354.5(SIK1):c.1635G>A (p.Ser545=)

Gene: SIK1 (salt inducible kinase 1; minus strand). Cytogenetic location: 21q22.3.
Variant type: single nucleotide variant.
Coding change: c.1635G>A on transcript NM_173354.5 (MANE Select); coding-DNA position 1635, G replaced by A.
Protein change: p.Ser545=; no amino-acid change (serine 545 retained).
Molecular consequence: synonymous variant.
Genome position (GRCh38, 1-based): chr21:43,418,369, C>T on the plus strand (G>A on the coding strand, the complement: SIK1 is on the minus strand). VCF-style: chr21-43418369-C-T. GRCh37 (hg19) VCF-style: chr21-44838249-C-T.
Identifiers: ClinVar variation 1156263 (VCV001156263.29), dbSNP rs113076434, ClinGen allele CA321325380.